The following is an entry in ClinVar:

ClinVar aggregate classification (germline): Conflicting classifications of pathogenicity. Review status: criteria provided, conflicting classifications (1 of 4 stars). 2 submissions from 2 submitters: Uncertain significance (1); Likely benign (1). Last evaluated 2023-05-08.

Conditions:
Hereditary cancer-predisposing syndrome. Also called: Neoplastic Syndromes, Hereditary; Hereditary Cancer Syndrome; Hereditary neoplastic syndrome; Tumor predisposition. Identifiers: Orphanet 140162, MedGen C0027672, MeSH D009386, MONDO:0015356.

Allele frequency attached by ClinVar (database versions not stated): gnomAD exomes below 0.00001.
gnomAD v4.1: 1 of 1,613,356 alleles (0.000062%); highest among the groups gnomAD compares: Non-Finnish European, 0.000085%; no homozygotes.

Submissions (2):

Ambry Genetics
Classification: Uncertain significance for Hereditary cancer-predisposing syndrome. Last evaluated: 2023-05-08. Review status: criteria provided, single submitter. Criteria: Ambry Variant Classification Scheme 2023. Collection method: clinical testing. Allele origin: germline.
Comment: The p.I650R variant (also known as c.1949T>G), located in coding exon 9 of the BRCA1 gene, results from a T to G substitution at nucleotide position 1949. The isoleucine at codon 650 is replaced by arginine, an amino acid with similar properties. This amino acid position is poorly conserved in available vertebrate species. In addition, the in silico prediction for this alteration is inconclusive. Since supporting evidence is limited at this time, the clinical significance of this alteration remains unclear.

University of Washington Department of Laboratory Medicine, University of Washington
Classification: Likely benign for Hereditary cancer-predisposing syndrome. Last evaluated: 2023-03-23. Review status: criteria provided, single submitter. Criteria: Dines et al. (Genet Med. 2020). Collection method: curation. Allele origin: germline.
Comment: Missense variant in a coldspot region where missense variants are very unlikely to be pathogenic (PMID:31911673).

BRCA1 coldspot (exon 11 using historical exon numbering). Reclassification based on statistical prior probability

NM_007294.4(BRCA1):c.1949T>G (p.Ile650Arg)

Gene: BRCA1 (BRCA1 DNA repair associated; minus strand). Cytogenetic location: 17q21.31.
Variant type: single nucleotide variant.
Coding change: c.1949T>G on transcript NM_007294.4 (MANE Select); coding-DNA position 1949, T replaced by G.
Protein change: p.Ile650Arg; replaces isoleucine 650 with arginine.
Molecular consequence: missense variant. On other transcripts: intron variant (137).
Genome position (GRCh38, 1-based): chr17:43,093,582, A>C on the plus strand (T>G on the coding strand, the complement: BRCA1 is on the minus strand). VCF-style: chr17-43093582-A-C. GRCh37 (hg19) VCF-style: chr17-41245599-A-C.
Other names: c.1823T>G, p.Ile608Arg (NM_001407690.1, NM_001407691.1, NM_001407649.1 and 11 more transcripts); c.1808T>G, p.Ile603Arg (NM_001407695.1, NM_001407696.1, NM_001407692.1 and 29 more transcripts); c.1736T>G, p.Ile579Arg (NM_001407571.1, NM_001407853.1, NM_001407894.1 and 9 more transcripts); c.1949T>G, p.Ile650Arg (NM_001407581.1, NM_001407582.1, NM_001407583.1 and 30 more transcripts); c.1946T>G, p.Ile649Arg (NM_001407587.1, NM_001407590.1, NM_001407591.1 and 22 more transcripts); c.1940T>G, p.Ile647Arg (NM_001407646.1, NM_001407647.1); c.1826T>G, p.Ile609Arg (NM_001407648.1, NM_001407664.1, NM_001407665.1 and 19 more transcripts); c.1871T>G, p.Ile624Arg (NM_001407653.1, NM_001407654.1, NM_001407655.1 and 4 more transcripts); and 40 more; short protein forms I650R, I603R, I522R, I523R, I539R, I579R, I608R, I609R.
Identifiers: ClinVar variation 479216 (VCV000479216.9), dbSNP rs1555590816, ClinGen allele CA10598123.
Genomic context (GRCh38, chr17:43,093,582, plus strand): 5'-TCCATGAGTTGTAGGTTTCTGCTGTGCCTGACTGGCATTTGGTTGTACTTTTTTTTCTTT[A>C]TCTCTTCACTGCTAGAACAACTATCAATTTGCAATTCAGTACAATTAGGTGGGCTTAGAT-3'
Protein context (NP_009225.1, residues 640-660): QIDSCSSSEE[Ile650Arg]KKKKYNQMPV